The following is an entry in ClinVar:

NM_000969.5(RPL5):c.631T>A (p.Leu211Ile)

Genes: DIPK1A (divergent protein kinase domain 1A; minus strand), RPL5 (ribosomal protein L5; plus strand). Cytogenetic location: 1p22.1.
Variant type: single nucleotide variant.
Coding change: c.631T>A on transcript NM_000969.5 (MANE Select); coding-DNA position 631, T replaced by A.
Protein change: p.Leu211Ile; replaces leucine 211 with isoleucine.
Molecular consequence: missense variant. On other transcripts: non-coding transcript variant (1), intron variant (1).
Genome position (GRCh38, 1-based): chr1:92,837,559, T>A. VCF-style: chr1-92837559-T-A. GRCh37 (hg19) VCF-style: chr1-93303116-T-A.
Other names: c.475-4525A>T (NM_001252273.2); short protein forms L211I.
Identifiers: ClinVar variation 2097197 (VCV002097197.4), dbSNP rs2524462673, ClinGen allele CA341242992.

ClinVar aggregate classification (germline): Uncertain significance (1 of 4 stars; one submission).

Conditions:
Diamond-Blackfan anemia. Also called: Blackfan Diamond syndrome; Aregenerative anemia chronic congenital; Red cell aplasia, pure hereditary; Congenital hypoplastic anemia; Aase syndrome. Identifiers: Orphanet 124, MedGen C1260899, MeSH D029503, MONDO:0015253, HP:0004810.

Submission:

Labcorp Genetics (formerly Invitae), Labcorp
Classification: Uncertain significance for Diamond-Blackfan anemia. Last evaluated: 2022-02-12. Review status: criteria provided, single submitter. Criteria: Invitae Variant Classification Sherloc (09022015). Collection method: clinical testing. Allele origin: germline.
Comment: This sequence change replaces leucine, which is neutral and non-polar, with isoleucine, which is neutral and non-polar, at codon 211 of the RPL5 protein (p.Leu211Ile). In summary, the available evidence is currently insufficient to determine the role of this variant in disease. Therefore, it has been classified as a Variant of Uncertain Significance. Algorithms developed to predict the effect of missense changes on protein structure and function are either unavailable or do not agree on the potential impact of this missense change (SIFT: "Deleterious"; PolyPhen-2: "Possibly Damaging"; Align-GVGD: "Class C0"). This variant has not been reported in the literature in individuals affected with RPL5-related conditions. This variant is not present in population databases (gnomAD no frequency).